The following is an entry in ClinVar:

NM_030665.4(RAI1):c.4272C>G (p.Phe1424Leu)

Gene: RAI1 (retinoic acid induced 1; plus strand). Cytogenetic location: 17p11.2.
Variant type: single nucleotide variant.
Coding change: c.4272C>G on transcript NM_030665.4 (MANE Select); coding-DNA position 4272, C replaced by G.
Protein change: p.Phe1424Leu; replaces phenylalanine 1424 with leucine.
Molecular consequence: missense variant.
Genome position (GRCh38, 1-based): chr17:17,797,220, C>G. VCF-style: chr17-17797220-C-G. GRCh37 (hg19) VCF-style: chr17-17700534-C-G.
Other names: short protein forms F1424L.
Identifiers: ClinVar variation 3630598 (VCV003630598.4).

ClinVar aggregate classification (germline): Conflicting classifications of pathogenicity. Review status: criteria provided, conflicting classifications (1 of 4 stars). 2 submissions from 2 submitters: Uncertain significance (1); Benign (1). Last evaluated 2025-11-13.

gnomAD v4.1: 2 of 1,613,740 alleles (0.00012%); highest among the groups gnomAD compares: East Asian, 0.0022%; no homozygotes.

Submissions (2):

Labcorp Genetics (formerly Invitae), Labcorp
Classification: Benign. Last evaluated: 2025-11-13. Review status: criteria provided, single submitter. Criteria: Invitae Variant Classification Sherloc (09022015). Collection method: clinical testing. Allele origin: germline.

Women's Health and Genetics/Laboratory Corporation of America, LabCorp
Classification: Uncertain significance. Last evaluated: 2025-04-23. Review status: criteria provided, single submitter. Criteria: LabCorp Variant Classification Summary - May 2015. Collection method: clinical testing. Allele origin: germline.
Comment: Variant summary: RAI1 c.4272C>G (p.Phe1424Leu) results in a non-conservative amino acid change in the encoded protein sequence. Four of five in-silico tools predict a benign effect of the variant on protein function. The variant allele was found at a frequency of 1.2e-05 in 250914 control chromosomes. The available data on variant occurrences in the general population are insufficient to allow any conclusion about variant significance. To our knowledge, no occurrence of c.4272C>G in individuals affected with Smith-Magenis Syndrome and no experimental evidence demonstrating its impact on protein function have been reported. ClinVar contains an entry for this variant (Variation ID: 3630598). Based on the evidence outlined above, the variant was classified as uncertain significance.